The following is an entry in ClinVar:

ClinVar aggregate classification (germline): Benign. Review status: criteria provided, multiple submitters, no conflicts (2 of 4 stars). 2 submissions from 2 submitters: Benign (2). Last evaluated 2021-07-01.

Conditions:
Hereditary insensitivity to pain with anhidrosis (CIPA). Also called: NTRK1 Congenital Insensitivity to Pain with Anhidrosis; INSENSITIVITY TO PAIN, CONGENITAL, WITH ANHIDROSIS; HSAN Type IV; hereditary sensory and autonomic neuropathy type 4; FAMILIAL DYSAUTONOMIA, TYPE II; NEUROPATHY, CONGENITAL SENSORY, WITH ANHIDROSIS. Identifiers: Orphanet 642, MedGen C0020074, MONDO:0009746, OMIM 256800.

Allele frequency attached by ClinVar (database versions not stated): 1000 Genomes Project 30x 0.97580; TOPMed 0.97761; 1000 Genomes Project 0.97784.
gnomAD v4.1: 149,208 of 152,290 alleles (98%); highest among the groups gnomAD compares: Middle Eastern, 100%; 73,182 homozygotes.

Submissions (2):

Genome-Nilou Lab
Classification: Benign for Hereditary insensitivity to pain with anhidrosis. Last evaluated: 2021-07-01. Review status: criteria provided, single submitter. Criteria: ACMG Guidelines, 2015. Collection method: clinical testing. Allele origin: germline. Affected: no.

GeneDx
Classification: Benign. Last evaluated: 2018-06-14. Review status: criteria provided, single submitter. Criteria: GeneDx Variant Classification (06012015). Collection method: clinical testing. Allele origin: germline. Affected: yes.
Comment: This variant is considered likely benign or benign based on one or more of the following criteria: it is a conservative change, it occurs at a poorly conserved position in the protein, it is predicted to be benign by multiple in silico algorithms, and/or has population frequency not consistent with disease.

NM_002529.4(NTRK1):c.718-156A>C

Gene: NTRK1 (neurotrophic receptor tyrosine kinase 1; plus strand). Cytogenetic location: 1q23.1.
Variant type: single nucleotide variant.
Coding change: c.718-156A>C on transcript NM_002529.4 (MANE Select); 156 bases into the intron before coding-DNA position 718, A replaced by C.
Molecular consequence: intron variant.
Genome position (GRCh38, 1-based): chr1:156,871,467, A>C. VCF-style: chr1-156871467-A-C. GRCh37 (hg19) VCF-style: chr1-156841259-A-C.
Other names: c.628-156A>C (NM_001007792.1); c.718-156A>C (NM_001012331.2).
Identifiers: ClinVar variation 667741 (VCV000667741.4), dbSNP rs2644614, ClinGen allele CA10928096.